The following is an entry in ClinVar:

NM_000038.6(APC):c.2504C>G (p.Ser835Cys)

Gene: APC (APC regulator of Wnt signaling pathway; plus strand). Cytogenetic location: 5q22.2.
Variant type: single nucleotide variant.
Coding change: c.2504C>G on transcript NM_000038.6 (MANE Select); coding-DNA position 2504, C replaced by G.
Protein change: p.Ser835Cys; replaces serine 835 with cysteine.
Molecular consequence: missense variant.
Genome position (GRCh38, 1-based): chr5:112,838,098, C>G. VCF-style: chr5-112838098-C-G. GRCh37 (hg19) VCF-style: chr5-112173795-C-G.
Other names: c.2558C>G, p.Ser853Cys (NM_001354896.2); c.2429C>G, p.Ser810Cys (NM_001354898.2); c.2504C>G, p.Ser835Cys (NM_001354895.2, NM_001127510.3); c.2534C>G, p.Ser845Cys (NM_001354897.2); c.2420C>G, p.Ser807Cys (NM_001354899.2); c.2450C>G, p.Ser817Cys (NM_001127511.3); c.2381C>G, p.Ser794Cys (NM_001354900.2); c.2327C>G, p.Ser776Cys (NM_001354901.2); and 5 more; short protein forms S835C, S817C, S744C, S807C, S810C, S734C, S776C, S845C.
Identifiers: ClinVar variation 485131 (VCV000485131.5), dbSNP rs773796815, ClinGen allele CA032343.

ClinVar aggregate classification (germline): Uncertain significance (1 of 4 stars; one submission).

Conditions:
Hereditary cancer-predisposing syndrome. Also called: Neoplastic Syndromes, Hereditary; Tumor predisposition; Hereditary Cancer Syndrome; Hereditary neoplastic syndrome. Identifiers: Orphanet 140162, MedGen C0027672, MeSH D009386, MONDO:0015356.

Allele frequency attached by ClinVar (database versions not stated): TOPMed below 0.00001.

Submission:

Ambry Genetics
Classification: Uncertain significance for Hereditary cancer-predisposing syndrome. Last evaluated: 2016-08-01. Review status: criteria provided, single submitter. Criteria: Ambry Variant Classification Scheme 2023. Collection method: clinical testing. Allele origin: germline.
Comment: The p.S835C variant (also known as c.2504C>G), located in coding exon 15 of the APC gene, results from a C to G substitution at nucleotide position 2504. The serine at codon 835 is replaced by cysteine, an amino acid with dissimilar properties. This variant was not reported in population based cohorts in the following databases: Database of Single Nucleotide Polymorphisms (dbSNP), NHLBI Exome Sequencing Project (ESP), and 1000 Genomes Project. In the ESP, this variant was not observed in 6502 samples (13004 alleles) with coverage at this position. To date, this alteration has been detected with an allele frequency of approximately 0.001% (greater than 90000 alleles tested) in our clinical cohort. This amino acid position is well conserved in available vertebrate species. In addition, in silico predictors for this gene do not accurately predict pathogenicity. Since supporting evidence is limited at this time, the clinical significance of this alteration remains unclear.